The following is an entry in ClinVar:

ClinVar aggregate classification (germline): Uncertain significance (1 of 4 stars; one submission).

Conditions:
ASXL1-related disorder. Also called: ASXL1-related disorders; ASXL1-related condition.

Submission:

PreventionGenetics, part of Exact Sciences
Classification: Uncertain significance for ASXL1-related condition. Last evaluated: 2025-08-28. Review status: criteria provided, single submitter. Criteria: ACMG Guidelines, 2015. Collection method: clinical testing. Allele origin: germline.
Comment: The ASXL1 c.1766C>G variant is predicted to result in the amino acid substitution p.Pro589Arg. To our knowledge, this variant has not been reported in the literature. This variant is absent in a large population database (gnomAD), indicating this variant is rare. At this time, the clinical significance of this variant is uncertain due to the absence of conclusive functional and genetic evidence.

NM_015338.6(ASXL1):c.1766C>G (p.Pro589Arg)

Gene: ASXL1 (ASXL transcriptional regulator 1; plus strand). Cytogenetic location: 20q11.21.
Variant type: single nucleotide variant.
Coding change: c.1766C>G on transcript NM_015338.6 (MANE Select); coding-DNA position 1766, C replaced by G.
Protein change: p.Pro589Arg; replaces proline 589 with arginine.
Molecular consequence: missense variant.
Genome position (GRCh38, 1-based): chr20:32,434,478, C>G. VCF-style: chr20-32434478-C-G. GRCh37 (hg19) VCF-style: chr20-31022281-C-G.
Other names: c.1583C>G, p.Pro528Arg (NM_001363734.1); short protein forms P528R, P589R.
Identifiers: ClinVar variation 4982598 (VCV004982598.1).
Genomic context (GRCh38, chr20:32,434,478, plus strand): 5'-TTCTTTTTTTGCAGATTCAACTTTCACGTATCAAACCACCCTGGGTGGTTAAAGGTCAGC[C>G]CACTTACCAGATATGCCCCCGGATCATCCCCACCACGGAGTCCTCCTGCCGGGGTTGGAC-3'
Protein context (NP_056153.2, residues 579-599): IKPPWVVKGQ[Pro589Arg]TYQICPRIIP